The following is an entry in ClinVar:

NM_005502.4(ABCA1):c.1265A>G (p.Lys422Arg)

Gene: ABCA1 (ATP binding cassette subfamily A member 1; minus strand). Cytogenetic location: 9q31.1.
Variant type: single nucleotide variant.
Coding change: c.1265A>G on transcript NM_005502.4 (MANE Select); coding-DNA position 1265, A replaced by G.
Protein change: p.Lys422Arg; replaces lysine 422 with arginine.
Molecular consequence: missense variant.
Genome position (GRCh38, 1-based): chr9:104,837,026, T>C on the plus strand (A>G on the coding strand, the complement: ABCA1 is on the minus strand). VCF-style: chr9-104837026-T-C. GRCh37 (hg19) VCF-style: chr9-107599307-T-C.
Other names: short protein forms K422R.
Identifiers: ClinVar variation 3492688 (VCV003492688.1).

ClinVar aggregate classification (germline): Uncertain significance (1 of 4 stars; one submission).

Conditions:
Cardiovascular phenotype. Identifiers: MedGen CN230736.

gnomAD v4.1: 3 of 1,614,156 alleles (0.00019%); highest among the groups gnomAD compares: Non-Finnish European, 0.00025%; no homozygotes.

Submission:

Ambry Genetics
Classification: Uncertain significance for Cardiovascular phenotype. Last evaluated: 2024-09-30. Review status: criteria provided, single submitter. Criteria: Ambry Variant Classification Scheme 2023. Collection method: clinical testing. Allele origin: germline.
Comment: The p.K422R variant (also known as c.1265A>G), located in coding exon 10 of the ABCA1 gene, results from an A to G substitution at nucleotide position 1265. The lysine at codon 422 is replaced by arginine, an amino acid with highly similar properties. This amino acid position is conserved. In addition, this alteration is predicted to be tolerated by in silico analysis. Based on the available evidence, the clinical significance of this variant remains unclear.